The following is an entry in ClinVar:

ClinVar aggregate classification (germline): Benign (3 of 4 stars; one submission).

Conditions:
Breast-ovarian cancer, familial, susceptibility to, 1 (BROVCA1). Also called: BRCA1 Hereditary Breast and Ovarian Cancer; OVARIAN CANCER, SUSCEPTIBILITY TO. Identifiers: Orphanet 145, MedGen C2676676, MONDO:0011450, OMIM 604370. Disease mechanism: loss of function.

Allele frequency attached by ClinVar (database versions not stated): gnomAD 0.00432 and 0.00404; TOPMed 0.00439; 1000 Genomes Project 0.00379; 1000 Genomes Project 30x 0.00422.
gnomAD v4.1: 605 of 152,272 alleles (0.4%); highest among the groups gnomAD compares: African/African-American, 1.4%; 6 homozygotes.

Submission:

Evidence-based Network for the Interpretation of Germline Mutant Alleles (ENIGMA)
Classification: Benign for Breast-ovarian cancer, familial 1. Last evaluated: 2015-01-12. Review status: reviewed by expert panel. Criteria: ENIGMA BRCA1/2 Classification Criteria (2015). Collection method: curation. Allele origin: germline.
Comment: Class 1 not pathogenic based on frequency >1% in an outbred sampleset. Frequency 0.01626 (African), derived from 1000 genomes (2012-04-30).

NM_007294.4(BRCA1):c.4357+877C>G

Gene: BRCA1 (BRCA1 DNA repair associated; minus strand). Cytogenetic location: 17q21.31.
Variant type: single nucleotide variant.
Coding change: c.4357+877C>G on transcript NM_007294.4 (MANE Select); 877 bases into the intron after coding-DNA position 4357, C replaced by G.
Molecular consequence: intron variant.
Genome position (GRCh38, 1-based): chr17:43,081,527, G>C on the plus strand (C>G on the coding strand, the complement: BRCA1 is on the minus strand). VCF-style: chr17-43081527-G-C. GRCh37 (hg19) VCF-style: chr17-41233544-G-C.
Other names: IVS 13+877C>G; c.907+877C>G (NM_001408458.1, NM_001408453.1, NM_001408461.1 and 8 more transcripts); c.3469+877C>G (NM_001407967.1, NM_001407966.1); c.3976+877C>G (NM_001407959.1, NM_001407960.1); c.4090+877C>G (NM_001407931.1, NM_001407932.1, NM_001407935.1 and 3 more transcripts); c.4213+877C>G (NM_001407747.1, NM_001407839.1, NM_001407745.1 and 23 more transcripts); c.3973+877C>G (NM_001407962.1, NM_001407963.1); c.544+877C>G (NM_001408512.1); and 52 more.
Identifiers: ClinVar variation 209409 (VCV000209409.2), dbSNP rs150670602, ClinGen allele CA276381.